The following is an entry in ClinVar:

ClinVar aggregate classification (germline): Pathogenic (1 of 4 stars; one submission).

Conditions:
Symmetrical dyschromatosis of extremities (DSH). Also called: SYMMETRIC DYSCHROMATOSIS OF THE EXTREMITIES; RETICULATE ACROPIGMENTATION OF DOHI; Dyschromatosis symmetrica hereditaria; DYSCHROMATOSIS SYMMETRICA HEREDITARIA 1. Identifiers: Orphanet 41, MedGen C0406775, MONDO:0007483, OMIM 127400.
Aicardi-Goutieres syndrome 6 (AGS6). Identifiers: Orphanet 51, MedGen C3539013, MONDO:0014007, OMIM 615010.

Submission:

Labcorp Genetics (formerly Invitae), Labcorp
Classification: Pathogenic for Aicardi-Goutieres syndrome 6; Symmetrical dyschromatosis of extremities. Last evaluated: 2022-07-11. Review status: criteria provided, single submitter. Criteria: Invitae Variant Classification Sherloc (09022015). Collection method: clinical testing. Allele origin: germline.
Comment: For these reasons, this variant has been classified as Pathogenic. This variant has not been reported in the literature in individuals affected with ADAR-related conditions. This variant is not present in population databases (gnomAD no frequency). This sequence change creates a premature translational stop signal (p.Glu45*) in the ADAR gene. It is expected to result in an absent or disrupted protein product. Loss-of-function variants in ADAR are known to be pathogenic (PMID: 22974014).

Literature cited by the submitters: PubMed 22974014.

NM_001111.5(ADAR):c.133G>T (p.Glu45Ter)

Gene: ADAR (adenosine deaminase RNA specific; minus strand). Cytogenetic location: 1q21.3.
Variant type: single nucleotide variant.
Coding change: c.133G>T on transcript NM_001111.5 (MANE Select); coding-DNA position 133, G replaced by T.
Protein change: p.Glu45Ter; replaces glutamic acid 45 with a stop codon.
Molecular consequence: nonsense. On other transcripts: 5 prime UTR variant (6).
Genome position (GRCh38, 1-based): chr1:154,602,509, C>A on the plus strand (G>T on the coding strand, the complement: ADAR is on the minus strand). VCF-style: chr1-154602509-C-A. GRCh37 (hg19) VCF-style: chr1-154574985-C-A.
Other names: c.-753G>T (NM_001025107.3, NM_001193495.2, NM_001365048.1); c.160G>T, p.Glu54Ter (NM_001365045.1); c.-617G>T (NM_001365046.1, NM_001365047.1, NM_001365049.1); c.133G>T, p.Glu45Ter (NM_015840.4, NM_015841.4); short protein forms E54*, E45*.
Identifiers: ClinVar variation 2016140 (VCV002016140.4), dbSNP rs1349346463, ClinGen allele CA342606640.